The following is an entry in ClinVar:

NM_080425.4(GNAS):c.1021G>A (p.Gly341Arg)

Gene: GNAS (GNAS complex locus; plus strand). Cytogenetic location: 20q13.32.
Variant type: single nucleotide variant.
Coding change: c.1021G>A on transcript NM_080425.4 (MANE Plus Clinical); coding-DNA position 1021, G replaced by A.
Protein change: p.Gly341Arg; replaces glycine 341 with arginine.
Molecular consequence: missense variant. On other transcripts: synonymous variant (2), intron variant (3).
Genome position (GRCh38, 1-based): chr20:58,854,286, G>A. VCF-style: chr20-58854286-G-A. GRCh37 (hg19) VCF-style: chr20-57429341-G-A.
Other names: c.834G>A, p.Pro278= (NM_001077490.3, NM_001309883.1); c.1021G>A, p.Gly341Arg (NM_001410913.1); c.*42+13400G>A (NM_016592.5); c.43+13400G>A (NM_001410912.1); c.-39+12411G>A (NM_001309861.2); short protein forms G341R.
Identifiers: ClinVar variation 4986323 (VCV004986323.1).

ClinVar aggregate classification (germline): Uncertain significance (1 of 4 stars; one submission).

Conditions:
GNAS-related disorder. Identifiers: MedGen CN380105.

gnomAD v4.1: 12 of 1,609,246 alleles (0.00075%); highest among the groups gnomAD compares: Admixed American, 0.012%; no homozygotes.

Submission:

PreventionGenetics, part of Exact Sciences
Classification: Uncertain significance for GNAS-related condition. Last evaluated: 2025-11-05. Review status: criteria provided, single submitter. Criteria: ACMG Guidelines, 2015. Collection method: clinical testing. Allele origin: germline.
Comment: The GNAS c.1021G>A variant is predicted to result in the amino acid substitution p.Gly341Arg. To our knowledge, this variant has not been reported in the literature. This variant is reported in 0.014% of alleles in individuals of Latino descent in gnomAD. At this time, the clinical significance of this variant is uncertain due to the absence of conclusive functional and genetic evidence.